The following is an entry in ClinVar:

NM_001267550.2(TTN):c.26345A>G (p.Asn8782Ser)

Gene: TTN (titin; minus strand). Cytogenetic location: 2q31.2.
Variant type: single nucleotide variant.
Coding change: c.26345A>G on transcript NM_001267550.2 (MANE Select); coding-DNA position 26345, A replaced by G.
Protein change: p.Asn8782Ser; replaces asparagine 8782 with serine.
Molecular consequence: missense variant. On other transcripts: intron variant (3).
Genome position (GRCh38, 1-based): chr2:178,714,429, T>C on the plus strand (A>G on the coding strand, the complement: TTN is on the minus strand). VCF-style: chr2-178714429-T-C. GRCh37 (hg19) VCF-style: chr2-179579156-T-C.
Other names: c.22613A>G, p.Asn7538Ser (NM_133378.4); c.25394A>G, p.Asn8465Ser (NM_001256850.1); c.13282+23653A>G (NM_003319.4); c.13858+23653A>G (NM_133437.4); c.13657+23653A>G (NM_133432.3); short protein forms N7538S, N8782S, N8465S.
Identifiers: ClinVar variation 179484 (VCV000179484.5), dbSNP rs727504895, ClinGen allele CA184513.
Genomic context (GRCh38, chr2:178,714,429, plus strand): 5'-GCTGGTTCCACTCTTGAAAACTGTAAGGTTGCAATGTTTTCTGAATAAGAAATCCATATG[T>C]TGTCACTTTCTCTAACGATTTCTCCCTTATCTTTGAACCACACCACTGAAATGGGTTCAG-3'
Protein context (NP_001254479.2, residues 8772-8792): DKGEIVRESD[Asn8782Ser]IWISYSENIA

ClinVar aggregate classification (germline): Uncertain significance (1 of 4 stars; one submission).

Allele frequency attached by ClinVar (database versions not stated): gnomAD exomes below 0.00001.
gnomAD v4.1: 2 of 1,613,796 alleles (0.00012%); highest among the groups gnomAD compares: East Asian, 0.0022%; no homozygotes.

Submission:

Laboratory for Molecular Medicine, Mass General Brigham Personalized Medicine
Classification: Uncertain significance. Last evaluated: 2014-01-24. Review status: criteria provided, single submitter. Criteria: LMM Criteria. Collection method: clinical testing. Allele origin: germline. Observed: 1 variant allele.
Comment: The Asn7538Ser variant in TTN has not been reported in individuals with cardiomy opathy or in large population studies. Computational analyses (biochemical amino acid properties, conservation, AlignGVGD, PolyPhen2, and SIFT) do not provide s trong support for or against an impact to the protein. Additional studies are ne eded to fully assess the clinical significance of this variant.